The following is an entry in ClinVar:

NM_002439.5(MSH3):c.436C>T (p.Leu146Phe)

Gene: MSH3 (mutS homolog 3; plus strand). Cytogenetic location: 5q14.1.
Variant type: single nucleotide variant.
Coding change: c.436C>T on transcript NM_002439.5 (MANE Select); coding-DNA position 436, C replaced by T.
Protein change: p.Leu146Phe; replaces leucine 146 with phenylalanine.
Molecular consequence: missense variant.
Genome position (GRCh38, 1-based): chr5:80,665,220, C>T. VCF-style: chr5-80665220-C-T. GRCh37 (hg19) VCF-style: chr5-79961039-C-T.
Other names: c.436C>T (NM_002439.3); short protein forms L146F.
Identifiers: ClinVar variation 962488 (VCV000962488.11), dbSNP rs1749542213, ClinGen allele CA360263401.
Genomic context (GRCh38, chr5:80,665,220, plus strand): 5'-AGGACCAGGAATGTTTCAAAGTCTCTGGAAAAATTGAAAGAATTCTGCTGCGATTCTGCC[C>T]TTCCTCAAAGTAGAGTCCAGACAGAATCTCTGCAGGAGAGATTTGCAGTTCTGCCAAAAT-3'
Protein context (NP_002430.3, residues 136-156): KLKEFCCDSA[Leu146Phe]PQSRVQTESL

ClinVar aggregate classification (germline): Conflicting classifications of pathogenicity. Review status: criteria provided, conflicting classifications (1 of 4 stars). 2 submissions from 2 submitters: Uncertain significance (1); Likely benign (1). Last evaluated 2024-06-12.

Conditions:
Hereditary cancer-predisposing syndrome. Also called: Tumor predisposition; Hereditary neoplastic syndrome; Hereditary Cancer Syndrome; Neoplastic Syndromes, Hereditary. Identifiers: Orphanet 140162, MedGen C0027672, MeSH D009386, MONDO:0015356.

Submissions (2):

Ambry Genetics
Classification: Likely benign for Hereditary cancer-predisposing syndrome. Last evaluated: 2024-06-12. Review status: criteria provided, single submitter. Criteria: Ambry Variant Classification Scheme 2023. Collection method: clinical testing. Allele origin: germline.

Labcorp Genetics (formerly Invitae), Labcorp
Classification: Uncertain significance. Last evaluated: 2022-03-25. Review status: criteria provided, single submitter. Criteria: Invitae Variant Classification Sherloc (09022015). Collection method: clinical testing. Allele origin: germline.
Comment: This sequence change replaces leucine, which is neutral and non-polar, with phenylalanine, which is neutral and non-polar, at codon 146 of the MSH3 protein (p.Leu146Phe). This variant is not present in population databases (gnomAD no frequency). This variant has not been reported in the literature in individuals affected with MSH3-related conditions. ClinVar contains an entry for this variant (Variation ID: 962488). Algorithms developed to predict the effect of missense changes on protein structure and function (SIFT, PolyPhen-2, Align-GVGD) all suggest that this variant is likely to be tolerated. In summary, the available evidence is currently insufficient to determine the role of this variant in disease. Therefore, it has been classified as a Variant of Uncertain Significance.